The following is an entry in ClinVar:

ClinVar aggregate classification (germline): Benign. Review status: criteria provided, multiple submitters, no conflicts (2 of 4 stars). 2 submissions from 2 submitters: Benign (2). Last evaluated 2018-01-13.

Conditions:
Spermatogenic failure 4. Also called: AZOOSPERMIA WITH MATURATION ARREST; PREGNANCY LOSS 4. Identifiers: MedGen C0232981, MONDO:0010052, OMIM 270960.

Allele frequency attached by ClinVar (database versions not stated): gnomAD exomes 0.00101; TOPMed 0.01131; 1000 Genomes Project 0.01577; 1000 Genomes Project 30x 0.01718.
gnomAD v4.1: 2,491 of 1,002,616 alleles (0.25%); highest among the groups gnomAD compares: African/African-American, 4%; 51 homozygotes.

Submissions (2):

Illumina Laboratory Services, Illumina
Classification: Benign for Spermatogenic failure 4. Last evaluated: 2018-01-13. Review status: criteria provided, single submitter. Criteria: ICSL Variant Classification Criteria 13 December 2019. Collection method: clinical testing. Allele origin: germline.
Comment: This variant was observed in the ICSL laboratory as part of a predisposition screen in an ostensibly healthy population. It had not been previously curated by ICSL or reported in the Human Gene Mutation Database (HGMD: prior to June 1st, 2018), and was therefore a candidate for classification through an automated scoring system. Utilizing variant allele frequency, disease prevalence and penetrance estimates, and inheritance mode, an automated score was calculated to assess if this variant is too frequent to cause the disease. Based on the score and internal cut-off values, a variant classified as benign is not then subjected to further curation. The score for this variant resulted in a classification of benign for this disease.

Breakthrough Genomics
Classification: Benign. Review status: criteria provided, single submitter. Criteria: ACMG Guidelines, 2015. Collection method: not provided. Allele origin: germline. Inheritance: Autosomal dominant inheritance. Affected: yes.

NM_001177949.2(SYCP3):c.-106A>G

Gene: SYCP3 (synaptonemal complex protein 3; minus strand). Cytogenetic location: 12q23.2.
Variant type: single nucleotide variant.
Coding change: c.-106A>G on transcript NM_001177949.2 (MANE Select); 106 bases upstream of the start codon, A replaced by G.
Molecular consequence: 5 prime UTR variant.
Genome position (GRCh38, 1-based): chr12:101,739,439, T>C on the plus strand (A>G on the coding strand, the complement: SYCP3 is on the minus strand). VCF-style: chr12-101739439-T-C. GRCh37 (hg19) VCF-style: chr12-102133217-T-C.
Other names: c.-91A>G (NM_001177948.2); c.-102A>G (NM_153694.5).
Identifiers: ClinVar variation 882344 (VCV000882344.5), dbSNP rs143456701, ClinGen allele CA242438126.